The following is an entry in ClinVar:

NM_006361.6(HOXB13):c.805G>A (p.Val269Ile)

Gene: HOXB13 (homeobox B13; minus strand). Cytogenetic location: 17q21.32.
Variant type: single nucleotide variant.
Coding change: c.805G>A on transcript NM_006361.6 (MANE Select); coding-DNA position 805, G replaced by A.
Protein change: p.Val269Ile; replaces valine 269 with isoleucine.
Molecular consequence: missense variant.
Genome position (GRCh38, 1-based): chr17:48,726,840, C>T on the plus strand (G>A on the coding strand, the complement: HOXB13 is on the minus strand). VCF-style: chr17-48726840-C-T. GRCh37 (hg19) VCF-style: chr17-46804202-C-T.
Other names: short protein forms V269I.
Identifiers: ClinVar variation 2010012 (VCV002010012.5), dbSNP rs1597932479, ClinGen allele CA400105544.

ClinVar aggregate classification (germline): Uncertain significance. Review status: criteria provided, multiple submitters, no conflicts (2 of 4 stars). 2 submissions from 2 submitters: Uncertain significance (2). Last evaluated 2024-04-22.

Conditions:
Hereditary cancer-predisposing syndrome. Also called: Tumor predisposition; Neoplastic Syndromes, Hereditary; Hereditary Cancer Syndrome; Hereditary neoplastic syndrome. Identifiers: Orphanet 140162, MedGen C0027672, MeSH D009386, MONDO:0015356.

Submissions (2):

Labcorp Genetics (formerly Invitae), Labcorp
Classification: Uncertain significance. Last evaluated: 2024-04-22. Review status: criteria provided, single submitter. Criteria: Invitae Variant Classification Sherloc (09022015). Collection method: clinical testing. Allele origin: germline.
Comment: This sequence change replaces valine, which is neutral and non-polar, with isoleucine, which is neutral and non-polar, at codon 269 of the HOXB13 protein (p.Val269Ile). This variant is not present in population databases (gnomAD no frequency). This variant has not been reported in the literature in individuals affected with HOXB13-related conditions. ClinVar contains an entry for this variant (Variation ID: 2010012). Advanced modeling of protein sequence and biophysical properties (such as structural, functional, and spatial information, amino acid conservation, physicochemical variation, residue mobility, and thermodynamic stability) performed at Invitae indicates that this missense variant is not expected to disrupt HOXB13 protein function with a negative predictive value of 80%. In summary, the available evidence is currently insufficient to determine the role of this variant in disease. Therefore, it has been classified as a Variant of Uncertain Significance.

Ambry Genetics
Classification: Uncertain significance for Hereditary cancer-predisposing syndrome. Last evaluated: 2024-01-05. Review status: criteria provided, single submitter. Criteria: Ambry Variant Classification Scheme 2023. Collection method: clinical testing. Allele origin: germline.
Comment: The p.V269I variant (also known as c.805G>A), located in coding exon 2 of the HOXB13 gene, results from a G to A substitution at nucleotide position 805. The valine at codon 269 is replaced by isoleucine, an amino acid with highly similar properties. This amino acid position is conserved. In addition, the in silico prediction for this alteration is inconclusive. Since supporting evidence is limited at this time, the clinical significance of this alteration remains unclear.